The following is an entry in ClinVar:

NM_017752.3(TBC1D8B):c.1471del (p.Thr491fs)

Gene: TBC1D8B (TBC1 domain family member 8B; plus strand). Cytogenetic location: Xq22.3.
Variant type: Deletion.
Coding change: c.1471del on transcript NM_017752.3 (MANE Select); coding-DNA position 1471, one base deleted (A; older notation c.1471delA).
Protein change: p.Thr491fs; shifts the reading frame from threonine 491.
Molecular consequence: frameshift variant.
Genome position (GRCh38, 1-based): chrX:106,840,165, A deleted; the last of 3 consecutive A bases (chrX:106,840,163-106,840,165); deleting any one gives the same sequence. VCF-style (leftmost placement, unchanged base first): chrX-106840162-GA-G. GRCh37 (hg19) VCF-style: chrX-106083392-GA-G.
Other names: c.1321del, p.Thr441fs (NM_001441214.1); c.1177del, p.Thr393fs (NM_001441215.1); c.1471del, p.Thr491fs (NM_198881.2); short protein forms T441fs, T491fs, T393fs.
Identifiers: ClinVar variation 5007489 (VCV005007489.2).

ClinVar aggregate classification (germline): Uncertain significance (1 of 4 stars; one submission).

Conditions:
Nephrotic syndrome, type 20. Identifiers: MedGen C5193011, MONDO:0026726, OMIM 301028.

Submission:

Juno Genomics, Hangzhou Juno Genomics, Inc
Classification: Uncertain significance for Nephrotic syndrome, type 20. Review status: criteria provided, single submitter. Criteria: ACMG Guidelines, 2015. Collection method: clinical testing. Allele origin: germline.
Comment: Null variant in a gene where loss of function (LOF) is a known mechanism of disease.;Absent from controls (or at extremely low frequency if recessive) in Genome Aggregation Database.